The following is an entry in ClinVar:

ClinVar aggregate classification (germline): Uncertain significance (1 of 4 stars; one submission).

Conditions:
Deafness-lymphedema-leukemia syndrome. Also called: Lymphedema, primary, with myelodysplasia; Emberger syndrome. Identifiers: Orphanet 3226, MedGen C3279664, MONDO:0013540, OMIM 614038.
Monocytopenia with susceptibility to infections. Also called: MONOCYTOPENIA AND MYCOBACTERIAL INFECTION SYNDROME; MONOCYTOPENIA WITH SUSCEPTIBILITY TO MYCOBACTERIAL, FUNGAL, AND PAPILLOMAVIRUS INFECTIONS AND MYELODYSPLASIA; COMBINED IMMUNODEFICIENCY WITH SUSCEPTIBILITY TO MYCOBACTERIAL, VIRAL, AND FUNGAL INFECTIONS; Dendritic cell, monocyte, B lymphocyte, and natural killer lymphocyte deficiency; IMMUNODEFICIENCY 21; GATA2 DEFICIENCY. Identifiers: Orphanet 228423, MedGen C3280030, MONDO:0013607, OMIM 614172.

Submission:

Labcorp Genetics (formerly Invitae), Labcorp
Classification: Uncertain significance for Monocytopenia with susceptibility to infections; Deafness-lymphedema-leukemia syndrome. Last evaluated: 2024-07-19. Review status: criteria provided, single submitter. Criteria: Invitae Variant Classification Sherloc (09022015). Collection method: clinical testing. Allele origin: germline.
Comment: This variant, c.1022_1027dup, results in the insertion of 2 amino acid(s) of the GATA2 protein (p.Ala342_Arg343insThrAla), but otherwise preserves the integrity of the reading frame. This variant is present in population databases (rs755912864, gnomAD 0.0009%). This variant has not been reported in the literature in individuals affected with GATA2-related conditions. In summary, the available evidence is currently insufficient to determine the role of this variant in disease. Therefore, it has been classified as a Variant of Uncertain Significance.

NM_032638.5(GATA2):c.1022_1027dup (p.Ala342_Arg343insThrAla)

Gene: GATA2 (GATA binding protein 2; minus strand). Cytogenetic location: 3q21.3.
Variant type: Duplication.
Coding change: c.1022_1027dup on transcript NM_032638.5 (MANE Select); coding-DNA positions 1022 to 1027, 6 bases duplicated (CCGCCA; older notation c.1022_1027dupCCGCCA).
Protein change: p.Ala342_Arg343insThrAla.
Molecular consequence: inframe insertion. On other transcripts: intron variant (1).
Genome position (GRCh38, 1-based): chr3:128,481,935-128,481,940, TGGCGG duplicated on the plus strand (CCGCCA on the coding strand, the reverse complement: GATA2 is on the minus strand). VCF-style (leftmost placement, unchanged base first): chr3-128481934-C-CTGGCGG. GRCh37 (hg19) VCF-style: chr3-128200777-C-CTGGCGG.
Other names: c.1018-38_1018-33dup (NM_001145662.1); c.1022_1027dup, p.Ala342_Arg343insThrAla (NM_001145661.2).
Identifiers: ClinVar variation 3757294 (VCV003757294.2).